The following is an entry in ClinVar:

ClinVar aggregate classification (germline): Conflicting classifications of pathogenicity. Review status: criteria provided, conflicting classifications (1 of 4 stars). 2 submissions from 2 submitters: Likely pathogenic (1); Uncertain significance (1). Last evaluated 2024-05-29.

Conditions:
Autosomal dominant limb-girdle muscular dystrophy type 1F (LGMDD2). Also called: Limb-girdle muscular dystrophy, type 1F; MUSCULAR DYSTROPHY, LIMB-GIRDLE, AUTOSOMAL DOMINANT 2. Identifiers: Orphanet 55595, MedGen C1842062, MONDO:0012034, OMIM 608423.

Allele frequency attached by ClinVar (database versions not stated): gnomAD 0.00001; gnomAD exomes 0.00001 and 0.00004; ExAC 0.00002; TOPMed 0.00006; ESP Exome Variant Server 0.00008.
gnomAD v4.1: 17 of 1,614,038 alleles (0.0011%); highest among the groups gnomAD compares: Admixed American, 0.0083%; no homozygotes.

Submissions (2):

Labcorp Genetics (formerly Invitae), Labcorp
Classification: Likely pathogenic for Autosomal dominant limb-girdle muscular dystrophy type 1F. Last evaluated: 2024-05-29. Review status: criteria provided, single submitter. Criteria: Invitae Variant Classification Sherloc (09022015). Collection method: clinical testing. Allele origin: germline.
Comment: This sequence change replaces threonine, which is neutral and polar, with methionine, which is neutral and non-polar, at codon 475 of the TNPO3 protein (p.Thr475Met). This variant is present in population databases (rs200236830, gnomAD 0.02%). This missense change has been observed in individual(s) with clinical features of TNPO3-related conditions (Invitae). In at least one individual the variant was observed to be de novo. ClinVar contains an entry for this variant (Variation ID: 935994). Advanced modeling of protein sequence and biophysical properties (such as structural, functional, and spatial information, amino acid conservation, physicochemical variation, residue mobility, and thermodynamic stability) performed at Invitae indicates that this missense variant is not expected to disrupt TNPO3 protein function with a negative predictive value of 80%. In summary, the currently available evidence indicates that the variant is pathogenic, but additional data are needed to prove that conclusively. Therefore, this variant has been classified as Likely Pathogenic.

GeneDx
Classification: Uncertain significance. Last evaluated: 2023-05-26. Review status: criteria provided, single submitter. Criteria: GeneDx Variant Classification Process June 2021. Collection method: clinical testing. Allele origin: germline. Affected: yes.
Comment: In silico analysis supports that this missense variant does not alter protein structure/function; Has not been previously published as pathogenic or benign to our knowledge

NM_012470.4(TNPO3):c.1424C>T (p.Thr475Met)

Gene: TNPO3 (transportin 3; minus strand). Cytogenetic location: 7q32.1.
Variant type: single nucleotide variant.
Coding change: c.1424C>T on transcript NM_012470.4 (MANE Select); coding-DNA position 1424, C replaced by T.
Protein change: p.Thr475Met; replaces threonine 475 with methionine.
Molecular consequence: missense variant. On other transcripts: non-coding transcript variant (18).
Genome position (GRCh38, 1-based): chr7:128,990,035, G>A on the plus strand (C>T on the coding strand, the complement: TNPO3 is on the minus strand). VCF-style: chr7-128990035-G-A. GRCh37 (hg19) VCF-style: chr7-128630089-G-A.
Other names: c.1424C>T, p.Thr475Met (NM_001191028.3, NM_001382218.1, NM_001382220.1 and 1 more transcripts); c.1526C>T, p.Thr509Met (NM_001382216.1); c.1505C>T, p.Thr502Met (NM_001382217.1); c.1316C>T, p.Thr439Met (NM_001382219.1); c.1280C>T, p.Thr427Met (NM_001382221.1); c.1277C>T, p.Thr426Met (NM_001382222.1); short protein forms T427M, T509M, T426M, T475M, T439M, T502M.
Identifiers: ClinVar variation 935994 (VCV000935994.7), dbSNP rs200236830, ClinGen allele CA4478136.